The following is an entry in ClinVar:

ClinVar aggregate classification (germline): Uncertain significance (1 of 4 stars; one submission).

Allele frequency attached by ClinVar (database versions not stated): gnomAD exomes below 0.00001.
gnomAD v4.1: 7 of 1,586,910 alleles (0.00044%); highest among the groups gnomAD compares: East Asian, 0.013%; no homozygotes.

Submission:

Labcorp Genetics (formerly Invitae), Labcorp
Classification: Uncertain significance. Last evaluated: 2022-06-08. Review status: criteria provided, single submitter. Criteria: Invitae Variant Classification Sherloc (09022015). Collection method: clinical testing. Allele origin: germline.
Comment: In summary, the available evidence is currently insufficient to determine the role of this variant in disease. Therefore, it has been classified as a Variant of Uncertain Significance. Algorithms developed to predict the effect of missense changes on protein structure and function are either unavailable or do not agree on the potential impact of this missense change (SIFT: "Deleterious"; PolyPhen-2: "Possibly Damaging"; Align-GVGD: "Class C0"). This variant has not been reported in the literature in individuals affected with PSMA3-related conditions. This variant is not present in population databases (gnomAD no frequency). This sequence change replaces asparagine, which is neutral and polar, with histidine, which is basic and polar, at codon 254 of the PSMA3 protein (p.Asn254His).

NM_002788.4(PSMA3):c.760A>C (p.Asn254His)

Genes: PSMA3 (proteasome 20S subunit alpha 3; plus strand), PSMA3-AS1 (PSMA3 antisense RNA 1; minus strand). Cytogenetic location: 14q23.1.
Variant type: single nucleotide variant.
Coding change: c.760A>C on transcript NM_002788.4 (MANE Select); coding-DNA position 760, A replaced by C.
Protein change: p.Asn254His; replaces asparagine 254 with histidine.
Molecular consequence: missense variant. On other transcripts: non-coding transcript variant (1).
Genome position (GRCh38, 1-based): chr14:58,271,887, A>C. VCF-style: chr14-58271887-A-C. GRCh37 (hg19) VCF-style: chr14-58738605-A-C.
Other names: c.739A>C, p.Asn247His (NM_152132.3); short protein forms N254H, N247H.
Identifiers: ClinVar variation 1965321 (VCV001965321.5), dbSNP rs1594836540, ClinGen allele CA389854026.